The following is an entry in ClinVar:

NM_006767.4(LZTR1):c.1265C>T (p.Ser422Phe)

Gene: LZTR1 (leucine zipper like post translational regulator 1; plus strand). Cytogenetic location: 22q11.21.
Variant type: single nucleotide variant.
Coding change: c.1265C>T on transcript NM_006767.4 (MANE Select); coding-DNA position 1265, C replaced by T.
Protein change: p.Ser422Phe; replaces serine 422 with phenylalanine.
Molecular consequence: missense variant.
Genome position (GRCh38, 1-based): chr22:20,993,666, C>T. VCF-style: chr22-20993666-C-T. GRCh37 (hg19) VCF-style: chr22-21347955-C-T.
Other names: short protein forms S422F.
Identifiers: ClinVar variation 1764011 (VCV001764011.3), dbSNP rs2518619862, ClinGen allele CA410774262.

ClinVar aggregate classification (germline): Uncertain significance (1 of 4 stars; one submission).

Conditions:
Cardiovascular phenotype. Identifiers: MedGen CN230736.
Hereditary cancer-predisposing syndrome. Also called: Neoplastic Syndromes, Hereditary; Tumor predisposition; Hereditary Cancer Syndrome; Hereditary neoplastic syndrome. Identifiers: Orphanet 140162, MedGen C0027672, MeSH D009386, MONDO:0015356.

Submission:

Ambry Genetics
Classification: Uncertain significance for Cardiovascular phenotype; Hereditary cancer-predisposing syndrome. Last evaluated: 2024-11-21. Review status: criteria provided, single submitter. Criteria: Ambry Variant Classification Scheme 2023. Collection method: clinical testing. Allele origin: germline.
Comment: The p.S422F variant (also known as c.1265C>T), located in coding exon 12 of the LZTR1 gene, results from a C to T substitution at nucleotide position 1265. The serine at codon 422 is replaced by phenylalanine, an amino acid with highly dissimilar properties. This amino acid position is highly conserved in available vertebrate species. In addition, this alteration is predicted to be deleterious by in silico analysis. Based on the available evidence, the clinical significance of this variant remains unclear.